The following is an entry in ClinVar:

ClinVar aggregate classification (germline): Uncertain significance (1 of 4 stars; one submission).

Allele frequency attached by ClinVar (database versions not stated): TOPMed below 0.00001; ExAC 0.00001.
gnomAD v4.1: 4 of 1,611,548 alleles (0.00025%); highest among the groups gnomAD compares: Admixed American, 0.0067%; no homozygotes.

Submission:

Labcorp Genetics (formerly Invitae), Labcorp
Classification: Uncertain significance. Last evaluated: 2023-12-05. Review status: criteria provided, single submitter. Criteria: Invitae Variant Classification Sherloc (09022015). Collection method: clinical testing. Allele origin: germline.
Comment: This sequence change creates a premature translational stop signal (p.Trp166*) in the NDUFS4 gene. While this is not anticipated to result in nonsense mediated decay, it is expected to disrupt the last 10 amino acid(s) of the NDUFS4 protein. This variant is present in population databases (rs764130316, gnomAD 0.003%). This variant has not been reported in the literature in individuals affected with NDUFS4-related conditions. ClinVar contains an entry for this variant (Variation ID: 2179371). Experimental studies and prediction algorithms are not available or were not evaluated, and the functional significance of this variant is currently unknown. In summary, the available evidence is currently insufficient to determine the role of this variant in disease. Therefore, it has been classified as a Variant of Uncertain Significance.

NM_002495.4(NDUFS4):c.497G>A (p.Trp166Ter)

Gene: NDUFS4 (NADH:ubiquinone oxidoreductase subunit S4; plus strand). Cytogenetic location: 5q11.2.
Variant type: single nucleotide variant.
Coding change: c.497G>A on transcript NM_002495.4 (MANE Select); coding-DNA position 497, G replaced by A.
Protein change: p.Trp166Ter; replaces tryptophan 166 with a stop codon.
Molecular consequence: nonsense. On other transcripts: 3 prime UTR variant (1), non-coding transcript variant (3).
Genome position (GRCh38, 1-based): chr5:53,683,190, G>A. VCF-style: chr5-53683190-G-A. GRCh37 (hg19) VCF-style: chr5-52979020-G-A.
Other names: c.*60G>A (NM_001318051.2); short protein forms W166*.
Identifiers: ClinVar variation 2179371 (VCV002179371.4), dbSNP rs764130316, ClinGen allele CA3264348.